The following is an entry in ClinVar:

NM_020975.6(RET):c.2607+9A>T

Gene: RET (ret proto-oncogene; plus strand). Cytogenetic location: 10q11.21.
Variant type: single nucleotide variant.
Coding change: c.2607+9A>T on transcript NM_020975.6 (MANE Select); 9 bases into the intron after coding-DNA position 2607, A replaced by T.
Molecular consequence: intron variant.
Genome position (GRCh38, 1-based): chr10:43,119,754, A>T. VCF-style: chr10-43119754-A-T. GRCh37 (hg19) VCF-style: chr10-43615202-A-T.
Other names: c.2607+9A>T (NM_020630.7, NM_001406743.1, NM_001406744.1 and 2 more transcripts); c.2472+9A>T (NM_001406765.1, NM_001406763.1); c.2211+9A>T (NM_001406772.1, NM_001406769.1); c.2169+9A>T (NM_001406773.1, NM_001406771.1); c.1710+9A>T (NM_001406782.1, NM_001406780.1, NM_001406779.1 and 1 more transcripts); c.1575+9A>T (NM_001406787.1); c.1590+9A>T (NM_001406785.1); c.2478+9A>T (NM_001406764.1, NM_001406762.1, NM_001406761.1); and 10 more.
Identifiers: ClinVar variation 215911 (VCV000215911.14), dbSNP rs863224427, ClinGen allele CA338609.

ClinVar aggregate classification (germline): Likely benign. Review status: criteria provided, multiple submitters, no conflicts (2 of 4 stars). 2 submissions from 2 submitters: Likely benign (2). Last evaluated 2025-02-27.

Conditions:
Multiple endocrine neoplasia, type 2 (MEN2). Identifiers: Orphanet 653, MedGen C4048306, MONDO:0019003. Disease mechanism: gain of function.
Multiple endocrine neoplasia type 2A. Also called: MULTIPLE ENDOCRINE NEOPLASIA, TYPE IIA; PTC SYNDROME; SIPPLE SYNDROME; MEN 2A; MEN-2A syndrome; Pheochromocytoma and amyloid producing medullary thyroid carcinoma. Identifiers: Orphanet 247698, Orphanet 653, MedGen C0025268, MeSH D018813, MONDO:0008234, OMIM 171400.

Submissions (2):

Myriad Genetics, Inc.
Classification: Likely benign for Multiple endocrine neoplasia type 2A. Last evaluated: 2025-02-27. Review status: criteria provided, single submitter. Criteria: Myriad Autosomal Dominant, Autosomal Recessive and X-Linked Classification Criteria (2023). Collection method: clinical testing. Allele origin: unknown.
Comment: This variant is considered likely benign. This variant is intronic and is not expected to impact mRNA splicing.

Labcorp Genetics (formerly Invitae), Labcorp
Classification: Likely benign for Multiple endocrine neoplasia, type 2. Last evaluated: 2022-05-21. Review status: criteria provided, single submitter. Criteria: Invitae Variant Classification Sherloc (09022015). Collection method: clinical testing. Allele origin: germline.